The following is an entry in ClinVar:

NM_206937.2(LIG4):c.1242A>C (p.Val414=)

Gene: LIG4 (DNA ligase 4; minus strand). Cytogenetic location: 13q33.3.
Variant type: single nucleotide variant.
Coding change: c.1242A>C on transcript NM_206937.2 (MANE Select); coding-DNA position 1242, A replaced by C.
Protein change: p.Val414=; no amino-acid change (valine 414 retained).
Molecular consequence: synonymous variant.
Genome position (GRCh38, 1-based): chr13:108,210,027, T>G on the plus strand (A>C on the coding strand, the complement: LIG4 is on the minus strand). VCF-style: chr13-108210027-T-G. GRCh37 (hg19) VCF-style: chr13-108862375-T-G.
Other names: c.1242A>C, p.Val414= (NM_001098268.2, NM_001352598.2, NM_001352599.2 and 6 more transcripts); c.1041A>C, p.Val347= (NM_001330595.2); c.1278A>C, p.Val426= (NM_001352604.2).
Identifiers: ClinVar variation 827984 (VCV000827984.12), dbSNP rs150828164, ClinGen allele CA7043726.

ClinVar aggregate classification (germline): Conflicting classifications of pathogenicity. Review status: criteria provided, conflicting classifications (1 of 4 stars). 3 submissions from 2 submitters: Uncertain significance (2); Likely benign (1). Last evaluated 2024-07-17.

Conditions:
DNA ligase IV deficiency. Identifiers: Orphanet 99812, MedGen C1847827, MONDO:0011686, OMIM 606593.
Multiple myeloma (MM). Also called: Plasma cell myeloma; Multiple myeloma, somatic. Identifiers: Orphanet 29073, Orphanet 85443, MedGen C0026764, MeSH D009101, MONDO:0009693, OMIM 254500, HP:0006775.

Allele frequency attached by ClinVar (database versions not stated): ExAC 0.00001; gnomAD 0.00001; ESP Exome Variant Server 0.00008; gnomAD exomes 0.00001 and 0.00004; TOPMed 0.00002.
gnomAD v4.1: 55 of 1,612,144 alleles (0.0034%); highest among the groups gnomAD compares: Non-Finnish European, 0.0045%; no homozygotes.

Submissions (3):

Labcorp Genetics (formerly Invitae), Labcorp
Classification: Likely benign for DNA ligase IV deficiency. Last evaluated: 2024-07-17. Review status: criteria provided, single submitter. Criteria: Invitae Variant Classification Sherloc (09022015). Collection method: clinical testing. Allele origin: germline.

Center for Genomics, Ann and Robert H. Lurie Children's Hospital of Chicago
Classification: Uncertain significance for DNA ligase IV deficiency. Last evaluated: 2019-08-05. Review status: criteria provided, single submitter. Criteria: ACMG Guidelines, 2015. Collection method: clinical testing. Allele origin: germline.
Comment: LIG4 NM_002312.3 exon 2 p.Val414= (c.1242A>C): This variant has not been reported in the literature but is present in 0.0002% (1/34576) of Latino alleles in the Genome Aggregation Database. Evolutionary conservation and computational predictive tools for this variant are limited or unavailable. Of note, computational tools designed to predict splicing suggest a potential effect from this variant. However, further studies are needed to understand its impact. In addition, this variant is a silent variant and does not change the amino acid, reducing the probability that this variant is disease causing. In summary, data on this variant is insufficient for disease classification. Therefore, the clinical significance of this variant is uncertain.

Center for Genomics, Ann and Robert H. Lurie Children's Hospital of Chicago
Classification: Uncertain significance for DNA ligase IV deficiency; Multiple myeloma. Review status: criteria provided, single submitter. Criteria: ACMG Guidelines, 2015. Collection method: clinical testing. Allele origin: germline.
Comment: the same text as in the submission from Center for Genomics, Ann and Robert H. Lurie Children's Hospital of Chicago above.